The following is an entry in ClinVar:

NM_000245.4(MET):c.2912A>G (p.Tyr971Cys)

Gene: MET (MET proto-oncogene, receptor tyrosine kinase; plus strand). Cytogenetic location: 7q31.2.
Variant type: single nucleotide variant.
Coding change: c.2912A>G on transcript NM_000245.4 (MANE Select); coding-DNA position 2912, A replaced by G.
Protein change: p.Tyr971Cys; replaces tyrosine 971 with cysteine.
Molecular consequence: missense variant.
Genome position (GRCh38, 1-based): chr7:116,771,873, A>G. VCF-style: chr7-116771873-A-G. GRCh37 (hg19) VCF-style: chr7-116411927-A-G.
Other names: c.2966A>G, p.Tyr989Cys (NM_001127500.3); c.1622A>G, p.Tyr541Cys (NM_001324402.2); c.2966A>G (NM_001127500.1); short protein forms Y971C, Y541C, Y989C.
Identifiers: ClinVar variation 1504608 (VCV001504608.9), dbSNP rs780819058, ClinGen allele CA4448615.

ClinVar aggregate classification (germline): Uncertain significance. Review status: criteria provided, multiple submitters, no conflicts (2 of 4 stars). 2 submissions from 2 submitters: Uncertain significance (2). Last evaluated 2024-07-01.

Conditions:
Renal cell carcinoma. Identifiers: Orphanet 217071, MedGen C0007134, MeSH D002292, MONDO:0005086, HP:0005584.
Hereditary cancer-predisposing syndrome. Also called: Hereditary neoplastic syndrome; Tumor predisposition; Neoplastic Syndromes, Hereditary; Hereditary Cancer Syndrome. Identifiers: Orphanet 140162, MedGen C0027672, MeSH D009386, MONDO:0015356.

Allele frequency attached by ClinVar (database versions not stated): gnomAD exomes below 0.00001; ExAC 0.00001.
gnomAD v4.1: 2 of 1,613,892 alleles (0.00012%); highest among the groups gnomAD compares: Non-Finnish European, 0.00017%; no homozygotes.

Submissions (2):

Ambry Genetics
Classification: Uncertain significance for Hereditary cancer-predisposing syndrome. Last evaluated: 2024-07-01. Review status: criteria provided, single submitter. Criteria: Ambry Variant Classification Scheme 2023. Collection method: clinical testing. Allele origin: germline.
Comment: The p.Y989C variant (also known as c.2966A>G), located in coding exon 13 of the MET gene, results from an A to G substitution at nucleotide position 2966. The tyrosine at codon 989 is replaced by cysteine, an amino acid with highly dissimilar properties. This amino acid position is highly conserved in available vertebrate species. In addition, this alteration is predicted to be deleterious by in silico analysis. Based on the available evidence, the clinical significance of this variant remains unclear.

Labcorp Genetics (formerly Invitae), Labcorp
Classification: Uncertain significance for Renal cell carcinoma. Last evaluated: 2021-07-12. Review status: criteria provided, single submitter. Criteria: Invitae Variant Classification Sherloc (09022015). Collection method: clinical testing. Allele origin: germline.
Comment: This sequence change replaces tyrosine with cysteine at codon 989 of the MET protein (p.Tyr989Cys). The tyrosine residue is highly conserved and there is a large physicochemical difference between tyrosine and cysteine. The frequency data for this variant in the population databases is considered unreliable, as metrics indicate poor data quality at this position in the ExAC database. This variant has not been reported in the literature in individuals affected with MET-related conditions. Algorithms developed to predict the effect of missense changes on protein structure and function are either unavailable or do not agree on the potential impact of this missense change (SIFT: "Deleterious"; PolyPhen-2: "Probably Damaging"; Align-GVGD: "Class C0"). In summary, the available evidence is currently insufficient to determine the role of this variant in disease. Therefore, it has been classified as a Variant of Uncertain Significance.